The following is an entry in ClinVar:

NM_032977.4(CASP10):c.1090G>A (p.Val364Ile)

Gene: CASP10 (caspase 10; plus strand). Cytogenetic location: 2q33.1.
Variant type: single nucleotide variant.
Coding change: c.1090G>A on transcript NM_032977.4 (MANE Select); coding-DNA position 1090, G replaced by A.
Protein change: p.Val364Ile; replaces valine 364 with isoleucine.
Molecular consequence: missense variant. On other transcripts: 3 prime UTR variant (1).
Genome position (GRCh38, 1-based): chr2:201,209,237, G>A. VCF-style: chr2-201209237-G-A. GRCh37 (hg19) VCF-style: chr2-202073960-G-A.
Other names: c.889G>A, p.Val297Ile (NM_001206524.2); c.961G>A, p.Val321Ile (NM_001206542.2, NM_001230.5); c.1090G>A, p.Val364Ile (NM_032974.5); c.*176G>A (NM_032976.4); short protein forms V297I, V321I, V364I.
Identifiers: ClinVar variation 3758267 (VCV003758267.2).

ClinVar aggregate classification (germline): Uncertain significance (1 of 4 stars; one submission).

Conditions:
Autoimmune lymphoproliferative syndrome type 2A (ALPS2A). Also called: CASP10-Related Autoimmune Lymphoproliferative Syndrome; AUTOIMMUNE LYMPHOPROLIFERATIVE SYNDROME, TYPE IIA; Autoimmune lymphoproliferative syndrome type 2. Identifiers: Orphanet 3261, MedGen C1858968, MONDO:0011383, OMIM 603909.

Submission:

Labcorp Genetics (formerly Invitae), Labcorp
Classification: Uncertain significance for Autoimmune lymphoproliferative syndrome type 2A. Last evaluated: 2024-10-30. Review status: criteria provided, single submitter. Criteria: Invitae Variant Classification Sherloc (09022015). Collection method: clinical testing. Allele origin: germline.
Comment: This sequence change replaces valine, which is neutral and non-polar, with isoleucine, which is neutral and non-polar, at codon 364 of the CASP10 protein (p.Val364Ile). This variant is not present in population databases (gnomAD no frequency). This variant has not been reported in the literature in individuals affected with CASP10-related conditions. Invitae Evidence Modeling of protein sequence and biophysical properties (such as structural, functional, and spatial information, amino acid conservation, physicochemical variation, residue mobility, and thermodynamic stability) indicates that this missense variant is not expected to disrupt CASP10 protein function with a negative predictive value of 80%. In summary, the available evidence is currently insufficient to determine the role of this variant in disease. Therefore, it has been classified as a Variant of Uncertain Significance.